The following is an entry in ClinVar:

ClinVar aggregate classification (germline): Uncertain significance (1 of 4 stars; one submission).

Conditions:
Hereditary cancer-predisposing syndrome. Also called: Tumor predisposition; Hereditary Cancer Syndrome; Hereditary neoplastic syndrome; Neoplastic Syndromes, Hereditary. Identifiers: Orphanet 140162, MedGen C0027672, MeSH D009386, MONDO:0015356.

Submission:

Ambry Genetics
Classification: Uncertain significance for Hereditary cancer-predisposing syndrome. Last evaluated: 2024-04-28. Review status: criteria provided, single submitter. Criteria: Ambry Variant Classification Scheme 2023. Collection method: clinical testing. Allele origin: germline.
Comment: The p.T1030P variant (also known as c.3088A>C), located in coding exon 10 of the PALB2 gene, results from an A to C substitution at nucleotide position 3088. The threonine at codon 1030 is replaced by proline, an amino acid with highly similar properties. This amino acid position is conserved. In addition, the in silico prediction for this alteration is inconclusive. Based on the available evidence, the clinical significance of this variant remains unclear.

NM_024675.4(PALB2):c.3088A>C (p.Thr1030Pro)

Gene: PALB2 (partner and localizer of BRCA2; minus strand). Cytogenetic location: 16p12.2.
Variant type: single nucleotide variant.
Coding change: c.3088A>C on transcript NM_024675.4 (MANE Select); coding-DNA position 3088, A replaced by C.
Protein change: p.Thr1030Pro; replaces threonine 1030 with proline.
Molecular consequence: missense variant. On other transcripts: intron variant (1).
Genome position (GRCh38, 1-based): chr16:23,621,387, T>G on the plus strand (A>C on the coding strand, the complement: PALB2 is on the minus strand). VCF-style: chr16-23621387-T-G. GRCh37 (hg19) VCF-style: chr16-23632708-T-G.
Other names: c.2203A>C, p.Thr735Pro (NM_001407306.1, NM_001407308.1, NM_001407309.1 and 4 more transcripts); c.2041A>C, p.Thr681Pro (NM_001407307.1); c.3088A>C, p.Thr1030Pro (NM_001407299.1, NM_001407301.1); c.2926A>C, p.Thr976Pro (NM_001407302.1, NM_001407298.1); c.3028A>C, p.Thr1010Pro (NM_001407296.1); c.3016A>C, p.Thr1006Pro (NM_001407297.1); c.1300A>C, p.Thr434Pro (NM_001407312.1, NM_001407313.1); c.622A>C, p.Thr208Pro (NM_001407314.1); and 1 more; short protein forms T1006P, T208P, T434P, T976P, T1010P, T1030P, T681P, T735P.
Identifiers: ClinVar variation 3303999 (VCV003303999.1).